The following is an entry in ClinVar:

ClinVar aggregate classification (germline): Uncertain significance. Review status: criteria provided, single submitter (1 of 4 stars). 2 submissions from 2 submitters: Uncertain significance (1). 1 of the submissions does not count toward it. Last evaluated 2023-08-29.

Conditions:
Acute aortic dissection. Identifiers: MedGen C0241868.
Congenital aneurysm of ascending aorta (AAT1). Also called: AORTIC ANEURYSM, FAMILIAL THORACIC 1; ANNULOAORTIC ECTASIA; Aortic aneurysm, thoracic; Familial thoracic aortic aneurysm. Identifiers: Orphanet 229, MedGen C0345050, MONDO:0024559, OMIM 607086.

Submissions (2):

GeneDx
Classification: Uncertain significance. Last evaluated: 2023-08-29. Review status: criteria provided, single submitter. Criteria: GeneDx Variant Classification Process June 2021. Collection method: clinical testing. Allele origin: germline. Affected: yes.
Comment: Not observed at significant frequency in large population cohorts (gnomAD); In silico analysis supports that this missense variant has a deleterious effect on protein structure/function; Functional studies showed that p.(T248I) does not significantly change protein levels or enzyme activity (Guo et al., 2016); Identified in a patient with aortic aneurysm in published literature (Guo et al., 2016); This variant is associated with the following publications: (PMID: 26838787)

University of Washington Center for Mendelian Genomics, University of Washington
Classification: Pathogenic for Familial thoracic aortic aneurysms; Acute aortic dissections. Last evaluated: 2016-01-12. Review status: no assertion criteria provided. Collection method: research. Allele origin: unknown. Inheritance: Autosomal dominant inheritance. Affected: yes. Observed: 1 heterozygote. Not counted in ClinVar's aggregate classification.

Literature cited by the submitters: PMC 4839295 (cited by University of Washington Center for Mendelian Genomics, University of Washington).

NM_002317.7(LOX):c.743C>T (p.Thr248Ile)

Genes: LOX (lysyl oxidase; minus strand), SRFBP1 (serum response factor binding protein 1; plus strand). Cytogenetic location: 5q23.1.
Variant type: single nucleotide variant.
Coding change: c.743C>T on transcript NM_002317.7 (MANE Select); coding-DNA position 743, C replaced by T.
Protein change: p.Thr248Ile; replaces threonine 248 with isoleucine.
Molecular consequence: missense variant. On other transcripts: 5 prime UTR variant (1).
Genome position (GRCh38, 1-based): chr5:122,075,539, G>A on the plus strand (C>T on the coding strand, the complement: LOX is on the minus strand). VCF-style: chr5-122075539-G-A. GRCh37 (hg19) VCF-style: chr5-121411234-G-A.
Other names: c.53C>T, p.Thr18Ile (NM_001178102.2); c.-149C>T (NM_001317073.1); c.743C>T (NM_002317.6); short protein forms T248I, T18I.
Identifiers: ClinVar variation 617848 (VCV000617848.3), dbSNP rs1561420103, ClinGen allele CA360882304.